The following is an entry in ClinVar:

ClinVar aggregate classification (germline): Pathogenic (1 of 4 stars; one submission).

Conditions:
Primary ciliary dyskinesia. Also called: Ciliary dyskinesia. Identifiers: Orphanet 244, MedGen C0008780, MONDO:0016575, HP:0012265.

Submission:

Labcorp Genetics (formerly Invitae), Labcorp
Classification: Pathogenic for Primary ciliary dyskinesia. Last evaluated: 2025-07-06. Review status: criteria provided, single submitter. Criteria: Invitae Variant Classification Sherloc (09022015). Collection method: clinical testing. Allele origin: germline.
Comment: This sequence change creates a premature translational stop signal (p.Val125Serfs*30) in the CCDC114 gene. It is expected to result in an absent or disrupted protein product. Loss-of-function variants in CCDC114 are known to be pathogenic (PMID: 23261302, 23261303). This variant is not present in population databases (gnomAD no frequency). This variant has not been reported in the literature in individuals affected with CCDC114-related conditions. Algorithms developed to predict the effect of sequence changes on RNA splicing suggest that this variant may disrupt the consensus splice site. For these reasons, this variant has been classified as Pathogenic.

Literature cited by the submitters: PubMed 23261302; PubMed 23261303.

NC_000019.10:g.48311667del

Gene: ODAD1 (outer dynein arm docking complex subunit 1; minus strand). Cytogenetic location: 19q13.33.
Variant type: Deletion.
Genome position: GRCh38 VCF-style: chr19-48311665-AC-A. GRCh37 (hg19) VCF-style: chr19-48814922-AC-A.
Identifiers: ClinVar variation 4722114 (VCV004722114.1).